The following is an entry in ClinVar:

NM_001370259.2(MEN1):c.1621= (p.Thr541=)

Gene: MEN1 (menin 1; minus strand). Cytogenetic location: 11q13.1.
Variant type: single nucleotide variant.
Coding change: c.1621= on transcript NM_001370259.2 (MANE Select); coding-DNA position 1621, no change from the reference sequence.
Protein change: p.Thr541=; no amino-acid change (threonine 541 retained).
Molecular consequence: no sequence alteration.
Genome position: GRCh38 VCF-style: chr11-64804546-T-T. GRCh37 (hg19) VCF-style: chr11-64572018-T-T.
Other names: c.1636=, p.Thr546= (NM_000244.4, NM_130800.3, NM_130801.3 and 3 more transcripts); c.1747=, p.Thr583= (NM_001370251.2); c.1621=, p.Thr541= (NM_001370260.2, NM_001370261.2, NM_130799.3); c.1516=, p.Thr506= (NM_001370262.2, NM_001370263.2); short protein forms A541T, A546T.
Identifiers: ClinVar variation 41852 (VCV000041852.26), dbSNP rs2959656.
Genomic context (GRCh38, chr11:64,804,546, plus strand): 5'-TGCCCTTCATCTTCTCACTCTGGAAAGTGAGCACTGGACCCTCCGGCGGTGGTGATGCTG[T=]GGGTGCTGGCACCTGAGCCGTGCTGCCACCTTCAGGGCCTCGGGCTGTGCCAGCGACAGT-3'
Protein context (NP_001357188.2, residues 531-551): GGSTAQVPAP[Thr541=]ASPPPEGPVL

ClinVar aggregate classification (germline): Conflicting classifications of pathogenicity. Review status: criteria provided, conflicting classifications (1 of 4 stars). 6 submissions from 6 submitters: Uncertain significance (1); Benign (4). 1 of the submissions does not count toward it. Last evaluated 2026-02-04.

Conditions:
Primary hyperparathyroidism. Also called: Primary hyperparathyroidism (disease). Identifiers: MedGen C0221002, MONDO:0010837, HP:0008200.
Multiple endocrine neoplasia, type 1 (MEN1). Also called: MEN I; WERMER SYNDROME; Endocrine adenomatosis multiple; MEN 1; MEA I. Identifiers: Orphanet 652, MedGen C0025267, MeSH D018761, MONDO:0007540, OMIM 131100.

Allele frequency attached by ClinVar (database versions not stated): gnomAD 0.10623 and 0.10363; 1000 Genomes Project 0.16554; gnomAD exomes 0.02198 and 0.06259; ExAC 0.06222; ESP Exome Variant Server 0.09157; TOPMed 0.11901; 1000 Genomes Project 30x 0.16943.

Submissions (6):

Labcorp Genetics (formerly Invitae), Labcorp
Classification: Benign for Multiple endocrine neoplasia, type 1. Last evaluated: 2026-02-04. Review status: criteria provided, single submitter. Criteria: Invitae Variant Classification Sherloc (09022015). Collection method: clinical testing. Allele origin: germline.

ARUP Laboratories, Molecular Genetics and Genomics, ARUP Laboratories
Classification: Benign. Last evaluated: 2021-11-10. Review status: criteria provided, single submitter. Criteria: ARUP Molecular Germline Variant Investigation Process 2021. Collection method: clinical testing. Allele origin: germline.

Athena Diagnostics
Classification: Benign. Last evaluated: 2017-10-16. Review status: criteria provided, single submitter. Criteria: Athena Diagnostics Criteria. Collection method: clinical testing. Allele origin: germline.

Endocrine Unit 2, University Hospital of Pisa
Classification: Uncertain significance for Primary hyperparathyroidism. Last evaluated: 2015-01-01. Review status: criteria provided, single submitter. Criteria: ACMG Guidelines, 2015. Collection method: research, literature only. Allele origin: germline. Inheritance: Autosomal dominant inheritance. Affected: yes. Observed: 1 variant allele.

Eurofins Ntd Llc (ga)
Classification: Benign. Last evaluated: 2014-09-18. Review status: criteria provided, single submitter. Criteria: EGL Classification Definitions 2015. Collection method: clinical testing. Allele origin: germline. Observed: 6 variant alleles, 4 heterozygotes, 2 homozygotes.

Biesecker Lab/Clinical Genomics Section, National Institutes of Health
Classification: Benign. Last evaluated: 2012-07-13. Review status: no assertion criteria provided. Collection method: research. Allele origin: germline. Affected: no. Observed: 385 variant alleles. Study: ClinSeq. Not counted in ClinVar's aggregate classification.
ClinVar note: Converted during submission from no known pathogenicity to Benign.

Literature cited by the submitters: PubMed 9215689 (cited by Endocrine Unit 2, University Hospital of Pisa); PubMed 18775714 (cited by Endocrine Unit 2, University Hospital of Pisa); PubMed 24997771 (cited by Endocrine Unit 2, University Hospital of Pisa); PubMed 564891 (cited by Endocrine Unit 2, University Hospital of Pisa).